The following is an entry in ClinVar:

NM_173630.4(RTTN):c.4581C>G (p.Phe1527Leu)

Gene: RTTN (rotatin; minus strand). Cytogenetic location: 18q22.2.
Variant type: single nucleotide variant.
Coding change: c.4581C>G on transcript NM_173630.4 (MANE Select); coding-DNA position 4581, C replaced by G.
Protein change: p.Phe1527Leu; replaces phenylalanine 1527 with leucine.
Molecular consequence: missense variant.
Genome position (GRCh38, 1-based): chr18:70,073,978, G>C on the plus strand (C>G on the coding strand, the complement: RTTN is on the minus strand). VCF-style: chr18-70073978-G-C. GRCh37 (hg19) VCF-style: chr18-67741214-G-C.
Other names: c.1845C>G, p.Phe615Leu (NM_001318520.2); short protein forms F615L, F1527L.
Identifiers: ClinVar variation 2134114 (VCV002134114.4), dbSNP rs2058363487, ClinGen allele CA402680324.

ClinVar aggregate classification (germline): Uncertain significance (1 of 4 stars; one submission).

Submission:

Labcorp Genetics (formerly Invitae), Labcorp
Classification: Uncertain significance. Last evaluated: 2022-05-05. Review status: criteria provided, single submitter. Criteria: Invitae Variant Classification Sherloc (09022015). Collection method: clinical testing. Allele origin: germline.
Comment: Algorithms developed to predict the effect of missense changes on protein structure and function output the following: SIFT: "Tolerated"; PolyPhen-2: "Benign"; Align-GVGD: "Class C0". The leucine amino acid residue is found in multiple mammalian species, which suggests that this missense change does not adversely affect protein function. This variant has not been reported in the literature in individuals affected with RTTN-related conditions. This variant is not present in population databases (gnomAD no frequency). In summary, the available evidence is currently insufficient to determine the role of this variant in disease. Therefore, it has been classified as a Variant of Uncertain Significance. This sequence change replaces phenylalanine, which is neutral and non-polar, with leucine, which is neutral and non-polar, at codon 1527 of the RTTN protein (p.Phe1527Leu).